The following is an entry in ClinVar:

NM_001330218.2(CCNYL1):c.864C>T (p.Ala288=)

Gene: CCNYL1 (cyclin Y like 1; plus strand). Cytogenetic location: 2q33.3.
Variant type: single nucleotide variant.
Coding change: c.864C>T on transcript NM_001330218.2 (MANE Select); coding-DNA position 864, C replaced by T.
Protein change: p.Ala288=; no amino-acid change (alanine 288 retained).
Molecular consequence: synonymous variant.
Genome position (GRCh38, 1-based): chr2:207,751,014, C>T. VCF-style: chr2-207751014-C-T. GRCh37 (hg19) VCF-style: chr2-208615738-C-T.
Other names: c.711C>T, p.Ala237= (NM_001142300.2); c.654C>T, p.Ala218= (NM_152523.3).
Identifiers: ClinVar variation 2651848 (VCV002651848.24), dbSNP rs61729929, ClinGen allele CA2076757.
Genomic context (GRCh38, chr2:207,751,014, plus strand): 5'-CAGGAATGAAATGGAAAGGCATTTTCTGGAGCTTCTTCAGTTTAATATTAATGTTCCTGC[C>T]AGTGTTTATGCCAAATACTACTTTGACCTTCGCTCCTTAGCAGATGACAACAACCTGAAT-3'
Protein context (NP_001317147.1, residues 278-298): ELLQFNINVP[Ala288=]SVYAKYYFDL

ClinVar aggregate classification (germline): Likely benign (1 of 4 stars; one submission).

Allele frequency attached by ClinVar (database versions not stated): 1000 Genomes Project 30x 0.00016; 1000 Genomes Project 0.00020; gnomAD exomes 0.00067; ESP Exome Variant Server 0.00077; ExAC 0.00087; gnomAD 0.00095; TOPMed 0.00100.
gnomAD v4.1: 1,219 of 1,613,846 alleles (0.076%); highest among the groups gnomAD compares: Middle Eastern, 0.86%; 7 homozygotes.

Submission:

CeGaT Center for Human Genetics Tuebingen
Classification: Likely benign. Last evaluated: 2022-03-01. Review status: criteria provided, single submitter. Criteria: CeGaT Center For Human Genetics Tuebingen Variant Classification Criteria Version 2. Collection method: clinical testing. Allele origin: germline. Affected: yes. Observed: 1 variant allele.
Comment: CCNYL1: BP4, BP7